The following is an entry in ClinVar:

ClinVar aggregate classification (germline): Uncertain significance (1 of 4 stars; one submission).

Conditions:
Familial cancer of breast. Also called: hereditary breast carcinoma; BREAST CANCER, FAMILIAL; Hereditary breast cancer. Identifiers: Orphanet 227535, MedGen C0346153, MONDO:0016419, OMIM 114480. Disease mechanism: loss of function.

Submission:

Labcorp Genetics (formerly Invitae), Labcorp
Classification: Uncertain significance for Familial cancer of breast. Last evaluated: 2025-05-28. Review status: criteria provided, single submitter. Criteria: Invitae Variant Classification Sherloc (09022015). Collection method: clinical testing. Allele origin: germline.
Comment: This sequence change replaces aspartic acid, which is acidic and polar, with valine, which is neutral and non-polar, at codon 126 of the CHEK2 protein (p.Asp126Val). This variant is not present in population databases (gnomAD no frequency). This variant has not been reported in the literature in individuals affected with CHEK2-related conditions. ClinVar contains an entry for this variant (Variation ID: 3646897). An algorithm developed to predict the effect of missense changes on protein structure and function (PolyPhen-2) suggests that this variant is likely to be disruptive. In summary, the available evidence is currently insufficient to determine the role of this variant in disease. Therefore, it has been classified as a Variant of Uncertain Significance.

NM_007194.4(CHEK2):c.377A>T (p.Asp126Val)

Gene: CHEK2 (checkpoint kinase 2; minus strand). Cytogenetic location: 22q12.1.
Variant type: single nucleotide variant.
Coding change: c.377A>T on transcript NM_007194.4 (MANE Select); coding-DNA position 377, A replaced by T.
Protein change: p.Asp126Val; replaces aspartic acid 126 with valine.
Molecular consequence: missense variant.
Genome position (GRCh38, 1-based): chr22:28,725,310, T>A on the plus strand (A>T on the coding strand, the complement: CHEK2 is on the minus strand). VCF-style: chr22-28725310-T-A. GRCh37 (hg19) VCF-style: chr22-29121298-T-A.
Other names: c.506A>T, p.Asp169Val (NM_001005735.3); c.-401A>T (NM_001257387.3); c.377A>T, p.Asp126Val (NM_001349956.3, NM_145862.3); short protein forms D169V, D126V.
Identifiers: ClinVar variation 3646897 (VCV003646897.2).